The following is an entry in ClinVar:

ClinVar aggregate classification (germline): Uncertain significance. Review status: criteria provided, multiple submitters, no conflicts (2 of 4 stars). 2 submissions from 2 submitters: Uncertain significance (2). Last evaluated 2024-03-19.

Conditions:
Inborn genetic diseases. Identifiers: MedGen C0950123, MeSH D030342.
Periodontitis, aggressive. Identifiers: MedGen C0031106, MONDO:0980757.
Haim-Munk syndrome (HMS). Also called: COCHIN JEWISH DISORDER; KERATOSIS PALMOPLANTARIS WITH PERIODONTOPATHIA AND ONYCHOGRYPOSIS. Identifiers: Orphanet 2342, MedGen C1855627, MONDO:0009491, OMIM 245010.
Papillon-Lefèvre syndrome (PALS). Also called: Papillon-Lefevre Disease; KERATOSIS PALMOPLANTARIS WITH PERIODONTOPATHIA. Identifiers: Orphanet 678, MedGen C0030360, MONDO:0009490, OMIM 245000.

gnomAD v4.1: 25 of 1,613,884 alleles (0.0015%); highest among the groups gnomAD compares: Middle Eastern, 0.016%; no homozygotes.

Submissions (2):

Ambry Genetics
Classification: Uncertain significance for Inborn genetic diseases. Last evaluated: 2024-03-19. Review status: criteria provided, single submitter. Criteria: Ambry Variant Classification Scheme 2023. Collection method: clinical testing. Allele origin: germline.

Labcorp Genetics (formerly Invitae), Labcorp
Classification: Uncertain significance for Haim-Munk syndrome; Periodontitis, aggressive; Papillon-Lefèvre syndrome. Last evaluated: 2022-07-19. Review status: criteria provided, single submitter. Criteria: Invitae Variant Classification Sherloc (09022015). Collection method: clinical testing. Allele origin: germline.
Comment: This sequence change replaces arginine, which is basic and polar, with histidine, which is basic and polar, at codon 442 of the CTSC protein (p.Arg442His). This variant is present in population databases (rs775201891, gnomAD 0.003%). This variant has not been reported in the literature in individuals affected with CTSC-related conditions. ClinVar contains an entry for this variant (Variation ID: 647623). Algorithms developed to predict the effect of missense changes on protein structure and function output the following: SIFT: "Not Available"; PolyPhen-2: "Possibly Damaging"; Align-GVGD: "Not Available". The histidine amino acid residue is found in multiple mammalian species, which suggests that this missense change does not adversely affect protein function. In summary, the available evidence is currently insufficient to determine the role of this variant in disease. Therefore, it has been classified as a Variant of Uncertain Significance.

NM_001814.6(CTSC):c.1325G>A (p.Arg442His)

Gene: CTSC (cathepsin C; minus strand). Cytogenetic location: 11q14.2.
Variant type: single nucleotide variant.
Coding change: c.1325G>A on transcript NM_001814.6 (MANE Select); coding-DNA position 1325, G replaced by A.
Protein change: p.Arg442His; replaces arginine 442 with histidine.
Molecular consequence: missense variant.
Genome position (GRCh38, 1-based): chr11:88,294,073, C>T on the plus strand (G>A on the coding strand, the complement: CTSC is on the minus strand). VCF-style: chr11-88294073-C-T. GRCh37 (hg19) VCF-style: chr11-88027241-C-T.
Other names: c.1325G>A (NM_001814.4); short protein forms R442H.
Identifiers: ClinVar variation 647623 (VCV000647623.8), dbSNP rs775201891, ClinGen allele CA6219724.
Genomic context (GRCh38, chr11:88,294,073, plus strand): 5'-TTAGGAATTGGTGTGGCTGCCACTGCTATGCTCTCAATTGCACACTCATCAGTTCCTCTG[C>T]GGATCCGGAAGTAGCCATTCTCACCCCAGCCGGTGCCCCAGCTGTTTTTAACAATCCAGT-3'
Protein context (NP_001805.4, residues 432-452): GWGENGYFRI[Arg442His]RGTDECAIES